The following is an entry in ClinVar:

ClinVar aggregate classification (germline): Uncertain significance (1 of 4 stars; one submission).

Submission:

Labcorp Genetics (formerly Invitae), Labcorp
Classification: Uncertain significance. Last evaluated: 2024-05-20. Review status: criteria provided, single submitter. Criteria: Invitae Variant Classification Sherloc (09022015). Collection method: clinical testing. Allele origin: germline.
Comment: This sequence change replaces histidine, which is basic and polar, with glutamine, which is neutral and polar, at codon 735 of the ALPK3 protein (p.His735Gln). This variant is not present in population databases (gnomAD no frequency). This variant has not been reported in the literature in individuals affected with ALPK3-related conditions. Algorithms developed to predict the effect of missense changes on protein structure and function output the following: SIFT: "Not Available"; PolyPhen-2: "Benign"; Align-GVGD: "Not Available". The glutamine amino acid residue is found in multiple mammalian species, which suggests that this missense change does not adversely affect protein function. In summary, the available evidence is currently insufficient to determine the role of this variant in disease. Therefore, it has been classified as a Variant of Uncertain Significance.

NM_020778.5(ALPK3):c.1599T>G (p.His533Gln)

Genes: ALPK3 (alpha kinase 3; plus strand), LOC111718493 (skeletal muscle cis-regulatory module overlapping ALPK3; plus strand). Cytogenetic location: 15q25.3.
Variant type: single nucleotide variant.
Coding change: c.1599T>G on transcript NM_020778.5 (MANE Select); coding-DNA position 1599, T replaced by G.
Protein change: p.His533Gln; replaces histidine 533 with glutamine.
Molecular consequence: missense variant.
Genome position (GRCh38, 1-based): chr15:84,840,878, T>G. VCF-style: chr15-84840878-T-G. GRCh37 (hg19) VCF-style: chr15-85384109-T-G.
Other names: short protein forms H533Q.
Identifiers: ClinVar variation 3653895 (VCV003653895.2).
Genomic context (GRCh38, chr15:84,840,878, plus strand): 5'-AGGAAAGGCCCCACCTCAGGCCTCTGTGCAGGTGCCGACGCCCCCTGCCCGGCGGAGACA[T>G]GGCACCCGGGACAGCACGTTGCAGGGGCAAGCAGGCCACAGGACTCCAGGAGAGGTAAGT-3'
Protein context (NP_065829.4, residues 523-543): QVPTPPARRR[His533Gln]GTRDSTLQGQ